The following is an entry in ClinVar:

ClinVar aggregate classification (germline): Uncertain significance (1 of 4 stars; one submission).

Allele frequency attached by ClinVar (database versions not stated): gnomAD exomes below 0.00001; TOPMed below 0.00001.
gnomAD v4.1: 2 of 1,613,310 alleles (0.00012%); highest among the groups gnomAD compares: Non-Finnish European, 0.00017%; no homozygotes.

Submission:

Labcorp Genetics (formerly Invitae), Labcorp
Classification: Uncertain significance. Last evaluated: 2024-10-24. Review status: criteria provided, single submitter. Criteria: Invitae Variant Classification Sherloc (09022015). Collection method: clinical testing. Allele origin: germline.
Comment: This sequence change affects a donor splice site in intron 10 of the TARS2 gene. It is expected to disrupt RNA splicing. Variants that disrupt the donor or acceptor splice site typically lead to a loss of protein function (PMID: 16199547), however the current clinical and genetic evidence is not sufficient to establish whether loss-of-function variants in TARS2 cause disease. This variant is not present in population databases (gnomAD no frequency). This variant has not been reported in the literature in individuals affected with TARS2-related conditions. ClinVar contains an entry for this variant (Variation ID: 2160272). Algorithms developed to predict the effect of sequence changes on RNA splicing suggest that this variant may disrupt the consensus splice site. In summary, the available evidence is currently insufficient to determine the role of this variant in disease. Therefore, it has been classified as a Variant of Uncertain Significance.

Literature cited by the submitters: PubMed 16199547.

NM_025150.5(TARS2):c.1238+2T>G

Gene: TARS2 (threonyl-tRNA synthetase 2, mitochondrial; plus strand). Cytogenetic location: 1q21.2.
Variant type: single nucleotide variant.
Coding change: c.1238+2T>G on transcript NM_025150.5 (MANE Select); the canonical splice donor site of the intron after coding-DNA position 1238, T replaced by G.
Molecular consequence: splice donor variant.
Genome position (GRCh38, 1-based): chr1:150,497,749, T>G. VCF-style: chr1-150497749-T-G. GRCh37 (hg19) VCF-style: chr1-150470225-T-G.
Other names: c.992+2T>G (NM_001271895.2); c.848+2T>G (NM_001271896.2).
Identifiers: ClinVar variation 2160272 (VCV002160272.4), dbSNP rs1669731579, ClinGen allele CA342327837.